The following is an entry in ClinVar:

NM_001267550.2(TTN):c.56508C>T (p.Ser18836=)

Genes: TTN (titin; minus strand), TTN-AS1 (TTN antisense RNA 1; plus strand). Cytogenetic location: 2q31.2.
Variant type: single nucleotide variant.
Coding change: c.56508C>T on transcript NM_001267550.2 (MANE Select); coding-DNA position 56508, C replaced by T.
Protein change: p.Ser18836=; no amino-acid change (serine 18836 retained).
Molecular consequence: synonymous variant.
Genome position (GRCh38, 1-based): chr2:178,599,285, G>A on the plus strand (C>T on the coding strand, the complement: TTN is on the minus strand). VCF-style: chr2-178599285-G-A. GRCh37 (hg19) VCF-style: chr2-179464012-G-A.
Other names: c.51585C>T, p.Ser17195= (NM_001256850.1); c.29313C>T, p.Ser9771= (NM_003319.4); c.48804C>T, p.Ser16268= (NM_133378.4); c.29688C>T, p.Ser9896= (NM_133432.3); c.29889C>T, p.Ser9963= (NM_133437.4).
Identifiers: ClinVar variation 3895267 (VCV003895267.1).

ClinVar aggregate classification (germline): Likely benign (1 of 4 stars; one submission).

gnomAD v4.1: 5 of 1,602,280 alleles (0.00031%); highest among the groups gnomAD compares: Non-Finnish European, 0.00043%; no homozygotes.

Submission:

Molecular Diagnostic Laboratory for Inherited Cardiovascular Disease, Montreal Heart Institute
Classification: Likely benign. Last evaluated: 2025-04-09. Review status: criteria provided, single submitter. Criteria: ACMG Guidelines, 2015. Collection method: clinical testing. Allele origin: germline. Affected: no.
Comment: BP7